The following is an entry in ClinVar:

ClinVar aggregate classification (germline): Uncertain significance (1 of 4 stars; one submission).

Conditions:
Inborn genetic diseases. Identifiers: MedGen C0950123, MeSH D030342.

Submission:

Ambry Genetics
Classification: Uncertain significance for Inborn genetic diseases. Last evaluated: 2025-10-05. Review status: criteria provided, single submitter. Criteria: Ambry Variant Classification Scheme 2023. Collection method: clinical testing. Allele origin: germline.
Comment: The p.L36P variant (also known as c.107T>C), located in coding exon 2 of the CAV1 gene, results from a T to C substitution at nucleotide position 107. The leucine at codon 36 is replaced by proline, an amino acid with similar properties. This amino acid position is conserved. In addition, the in silico prediction for this alteration is inconclusive. Based on the available evidence, the clinical significance of this variant remains unclear.

NM_001753.5(CAV1):c.107T>C (p.Leu36Pro)

Gene: CAV1 (caveolin 1; plus strand). Cytogenetic location: 7q31.2.
Variant type: single nucleotide variant.
Coding change: c.107T>C on transcript NM_001753.5 (MANE Select); coding-DNA position 107, T replaced by C.
Protein change: p.Leu36Pro; replaces leucine 36 with proline.
Molecular consequence: missense variant.
Genome position (GRCh38, 1-based): chr7:116,526,601, T>C. VCF-style: chr7-116526601-T-C. GRCh37 (hg19) VCF-style: chr7-116166655-T-C.
Other names: c.14T>C, p.Leu5Pro (NM_001172895.1, NM_001172896.2, NM_001172897.2); short protein forms L36P, L5P.
Identifiers: ClinVar variation 3995904 (VCV003995904.2).